The following is an entry in ClinVar:

ClinVar aggregate classification (germline): Pathogenic. Review status: reviewed by expert panel (3 of 4 stars). 31 submissions from 31 submitters: Pathogenic (1). 30 of the submissions do not count toward it. Last evaluated 2026-06-09.

Conditions:
Fetal anomalies with a likely genetic cause.
GALT-related disorder. Also called: GALT-related condition.
Inborn genetic diseases. Identifiers: MedGen C0950123, MeSH D030342.
Galactosemia. Also called: Galactose intolerance. Identifiers: Orphanet 352, MedGen C0016952, MONDO:0018116, HP:0004919. Disease mechanism: loss of function.
Deficiency of UDPglucose-hexose-1-phosphate uridylyltransferase. Also called: GALACTOSE-1-PHOSPHATE URIDYLYLTRANSFERASE DEFICIENCY; Transferase Deficiency Galactosemia; GALACTOSEMIA I; GALT deficiency; Galactosemia, classic. Identifiers: Orphanet 352, Orphanet 79239, MedGen C0268151, MONDO:0009258, OMIM 230400.

Allele frequency attached by ClinVar (database versions not stated): ExAC 0.00035; 1000 Genomes Project 0.00120; 1000 Genomes Project 30x 0.00125; TOPMed 0.00094; gnomAD 0.00092 and 0.00094.

Submissions 1 to 7 of 31:

Clingen Galactosemia Variant Curation Expert Panel, ClinGen
Classification: Pathogenic for Deficiency of UDPglucose-hexose-1-phosphate uridylyltransferase. Last evaluated: 2026-06-09. Review status: reviewed by expert panel. Criteria: ClinGen Galactosemia ACMG Specifications GALT V1.1. Collection method: curation. Allele origin: germline. Inheritance: Autosomal recessive inheritance.
Comment: The c.404C>T variant in GALT is a missense variant predicted to cause substitution of serine by leucine at amino acid 135 (p.Ser135Leu). At least one patient with this variant displayed GALT activity <4.2%, which is highly specific for galactosemia (PP4_moderate) (PMID: 12350230, 22461411, 22944367, 27176039, 31954591). This variant has been detected in multiple individuals with galactosemia. 8 were compound heterozygous for the variant and a pathogenic or likely pathogenic variant (PMID:11754113, 22461411, 27176039; 3.50 points). Two individuals were homozygous for the variant (PMID: 12350230, 31954591; 1 point) (PM3_Very strong). Activity assays of soluble lysates from yeast showed 2.7+/- 0.4 relative GALT activity (compared to wt) indicating that this variant impacts protein function (PMID: 11152465)(PS3_supporting). The computational predictor REVEL gives a SCORE of 0.921, which is equal to or above the threshold of 0.7, evidence that correlates with impact to GALT function (PP3). The filtering allele frequency in gnomAD v4.1.0 is 0.002891 in the African/African American population; No homozygotes are present (PM2_Supporting, BS1, and BA1 are not met). In summary, this variant meets the criteria to be classified as Pathogenic for galactosemia based on the ACMG/AMP criteria applied (PM3_Very strong, PP4_moderate, PS3_supporting, PP3), as specified by the ClinGen Galactosemia VCEP.

Genetics Laboratory, Great Ormond Street Hospital NHS Foundation Trust, North Thames Genomic Laboratory Hub
Classification: Pathogenic for Fetal anomalies with a likely genetic cause. Last evaluated: 2026-09-14. Review status: criteria provided, single submitter. Criteria: ACGS Best Practice Guidelines for Variant Classification in Rare Disease 2024 v1.2. Collection method: clinical testing. Allele origin: germline. Affected: yes. Not counted in ClinVar's aggregate classification.
Comment: PS4_moderate, PP3_supporting, PM5_moderate, PS3_supporting, PP4_strong

Labcorp Genetics (formerly Invitae), Labcorp
Classification: Pathogenic for Deficiency of UDPglucose-hexose-1-phosphate uridylyltransferase. Last evaluated: 2026-01-26. Review status: criteria provided, single submitter. Criteria: Invitae Variant Classification Sherloc (09022015). Collection method: clinical testing. Allele origin: germline. Not counted in ClinVar's aggregate classification.
Comment: This sequence change replaces serine, which is neutral and polar, with leucine, which is neutral and non-polar, at codon 135 of the GALT protein (p.Ser135Leu). This variant is present in population databases (rs111033690, gnomAD 0.4%). This missense change has been observed in individual(s) with galactosemia (PMID: 7887417, 8551426, 12350230, 22461411, 22944367, 27176039, 28065439). It has also been observed to segregate with disease in related individuals. ClinVar contains an entry for this variant (Variation ID: 3618). Invitae Evidence Modeling of protein sequence and biophysical properties (such as structural, functional, and spatial information, amino acid conservation, physicochemical variation, residue mobility, and thermodynamic stability) indicates that this missense variant is expected to disrupt GALT protein function with a positive predictive value of 95%. Experimental studies have shown that this missense change affects GALT function (PMID: 7887417, 11152465, 12208137). For these reasons, this variant has been classified as Pathogenic.

PreventionGenetics, part of Exact Sciences
Classification: Pathogenic for GALT-related condition. Last evaluated: 2025-11-26. Review status: criteria provided, single submitter. Criteria: ACMG Guidelines, 2015. Collection method: clinical testing. Allele origin: germline. Not counted in ClinVar's aggregate classification.
Comment: The GALT c.404C>T variant is predicted to result in the amino acid substitution p.Ser135Leu. This variant has been reported in the homozygous state or with a second causative GALT variant in individuals with a diagnosis or clinical suspicion of galactosemia (Fridovich-Keil et al. 1995. PubMed ID: 7887417; Yang et al. 2002. PubMed ID: 11754113; Simpson et al. 2025. PubMed ID: 40352451; Internal Data, PreventionGenetics). It is particularly common among individuals of African descent. Consistent with this observation, the c.404C>T variant has been observed at an allele frequency of ~0.35% of alleles in individuals of African descent in gnomAD, whereas it is present at <0.02% in other populations in the same database. Functional assays show significantly reduced GALT enzyme activity, ranging from 3-6% of wild-type (Fridovich-Keil et al. 1995. PubMed ID: 7887417; Yang et al. 2002. PubMed ID: 11754113). In patients homozygous for the c.404C>T (p.Ser135Leu) variant, red blood cell GALT enzyme activity is typically absent; however, ~10% enzyme activity remains in other tissues. As a result, patients homozygous for this variant may go undetected by newborn screening (Crushell et al. 2009. PubMed ID: 19418241). For these reasons, the p.Ser135Leu substitution has been associated with a form of galactosemia referred to as clinical variant galactosemia (Berry 2017. PubMed ID: 20301691). Alternate missense changes affecting the same amino acid (p.Ser135Pro and p.Ser135Trp) have been reported in individuals with a diagnosis or clinical features consistent with galactosemia (Boutron et al. 2012. PubMed ID: 22944367; Bosch et al. 2005. PubMed ID: 15841485). This variant is interpreted as pathogenic.

Institute Of Liver Studies, NHS South East Genomic Laboratory Hub
Classification: Pathogenic for Galactosemia. Last evaluated: 2025-07-30. Review status: criteria provided, single submitter. Criteria: ACGS Best Practice Guidelines for Variant Classification in Rare Disease 2024. Collection method: clinical testing. Allele origin: germline. Affected: yes. Not counted in ClinVar's aggregate classification.

Natera, Inc.
Classification: Pathogenic for Galactosemia. Last evaluated: 2025-07-01. Review status: criteria provided, single submitter. Criteria: Natera Variant Classification Schema (03/2026). Collection method: clinical testing. Allele origin: germline. Not counted in ClinVar's aggregate classification.
Comment: The c.404C>T variant in GALT is a missense variant predicted to cause substitution of serine to leucine at amino acid 135. This variant is rare in the general population with a frequency below the threshold expected for the associated phenotype(s). This variant has been observed in one or more individuals affected with the associated recessive disease, as either homozygous or compound heterozygous with a second variant (PMID: 9635294). Functional studies show that this variant may disrupt protein function (PMID: 8551426, 10070616, 11592823). Computational prediction algorithms indicate this variant is likely to affect gene or protein function. Given the available evidence, this variant is classified as Pathogenic.

ARUP Laboratories, Molecular Genetics and Genomics, ARUP Laboratories
Classification: Pathogenic for Deficiency of UDPglucose-hexose-1-phosphate uridylyltransferase. Last evaluated: 2025-04-29. Review status: criteria provided, single submitter. Criteria: ARUP Molecular Germline Variant Investigation Process 2024. Collection method: clinical testing. Allele origin: germline. Not counted in ClinVar's aggregate classification.
Comment: The GALT c.404C>T; p.Ser135Leu variant (rs111033690) has been reported in multiple individuals with GALT deficiency (Fridovich-Keil 1995, Lai 1996). Functional characterization of the variant protein indicates strongly reduced enzymatic activity and thermostability (Coelho 2014, Fridovich-Keil 1995, Lai 1996, Riehman 2001). This variant is also reported in ClinVar (Variation ID: 3618). It is observed in the general population with an overall allele frequency of 0.03% (94/282882 alleles) in the Genome Aggregation Database. The serine at codon 135 is highly conserved, and computational analyses predict that this variant is deleterious (REVEL: 0.921). Based on available information, this variant is considered to be pathogenic. References: Coelho AI et al. Functional and structural impact of the most prevalent missense mutations in classic galactosemia. Mol Genet Genomic Med. 2014 Nov;2(6):484-96. PMID: 25614870. Fridovich-Keil JL et al. Identification and functional analysis of three distinct mutations in the human galactose-1-phosphate uridyltransferase gene associated with galactosemia in a single family. Am J Hum Genet. 1995 Mar;56(3):640-6. PMID: 7887417. Lai K et al. A prevalent mutation for galactosemia among black Americans. J Pediatr. 1996 Jan;128(1):89-95. PMID: 8551426. Riehman K et al. Relationship between genotype, activity, and galactose sensitivity in yeast expressing patient alleles of human galactose-1-phosphate uridylyltransferase. J Biol Chem. 2001 Apr 6;276(14):10634-40. PMID: 11152465.

NM_000155.4(GALT):c.404C>T (p.Ser135Leu)

Gene: GALT (galactose-1-phosphate uridylyltransferase; plus strand). Cytogenetic location: 9p13.3.
Variant type: single nucleotide variant.
Coding change: c.404C>T on transcript NM_000155.4 (MANE Select); coding-DNA position 404, C replaced by T.
Protein change: p.Ser135Leu; replaces serine 135 with leucine.
Molecular consequence: missense variant.
Genome position (GRCh38, 1-based): chr9:34,647,858, C>T. VCF-style: chr9-34647858-C-T. GRCh37 (hg19) VCF-style: chr9-34647855-C-T.
Other names: c.404C>T; p.S135L:TCG>TTG; NM_000155.3(GALT):c.404C>T(p.Ser135Leu); NM_001258332.1(GALT):c.77C>T(p.Ser26Leu); NM_000155.4(GALT):c.404C>T; c.77C>T, p.Ser26Leu (NM_001258332.2); short protein forms S135L, S26L.
Identifiers: ClinVar variation 3618 (VCV000003618.93), dbSNP rs111033690, ClinGen allele CA312565.